The following is an entry in ClinVar:

NM_000218.3(KCNQ1):c.1514+4272G>A

Genes: KCNQ1 (potassium voltage-gated channel subfamily Q member 1; plus strand), KCNQ1OT1 (KCNQ1 opposite strand/antisense transcript 1; minus strand). Cytogenetic location: 11p15.5.
Variant type: single nucleotide variant.
Coding change: c.1514+4272G>A on transcript NM_000218.3 (MANE Select); 4272 bases into the intron after coding-DNA position 1514, G replaced by A.
Molecular consequence: intron variant. On other transcripts: non-coding transcript variant (1).
Genome position (GRCh38, 1-based): chr11:2,666,353, G>A. VCF-style: chr11-2666353-G-A. GRCh37 (hg19) VCF-style: chr11-2687583-G-A.
Other names: c.1244+4272G>A (NM_001406837.1); c.1418+4272G>A (NM_001406836.1); c.974+4272G>A (NM_001406838.1); c.1133+4272G>A (NM_181798.2).
Identifiers: ClinVar variation 3041652 (VCV003041652.2), dbSNP rs2493883894, ClinGen allele CA472738721.

ClinVar aggregate classification (germline): Likely benign (0 of 4 stars; one submission).

Conditions:
KCNQ1-related disorder. Also called: KCNQ1-related condition; KCNQ1-related disorders. Identifiers: MedGen CN239322.

Submission:

PreventionGenetics, part of Exact Sciences
Classification: Likely benign for KCNQ1-related condition. Last evaluated: 2020-03-23. Review status: no assertion criteria provided. Collection method: clinical testing. Allele origin: germline.
Comment: This variant is classified as likely benign based on ACMG/AMP sequence variant interpretation guidelines (Richards et al. 2015 PMID: 25741868, with internal and published modifications).